The following is an entry in ClinVar:

ClinVar aggregate classification (germline): Uncertain significance (1 of 4 stars; one submission).

Allele frequency attached by ClinVar (database versions not stated): gnomAD exomes below 0.00001.
gnomAD v4.1: 2 of 1,613,570 alleles (0.00012%); highest among the groups gnomAD compares: Non-Finnish European, 0.00017%; no homozygotes.

Submission:

GeneDx
Classification: Uncertain significance. Last evaluated: 2022-01-05. Review status: criteria provided, single submitter. Criteria: GeneDx Variant Classification Process June 2021. Collection method: clinical testing. Allele origin: germline. Affected: yes.
Comment: Not observed at significant frequency in large population cohorts (gnomAD); In silico analysis supports that this missense variant does not alter protein structure/function; Has not been previously published as pathogenic or benign to our knowledge

NM_001371623.1(TCOF1):c.2228T>C (p.Leu743Pro)

Gene: TCOF1 (treacle ribosome biogenesis factor 1; plus strand). Cytogenetic location: 5q32.
Variant type: single nucleotide variant.
Coding change: c.2228T>C on transcript NM_001371623.1 (MANE Select); coding-DNA position 2228, T replaced by C.
Protein change: p.Leu743Pro; replaces leucine 743 with proline.
Molecular consequence: missense variant.
Genome position (GRCh38, 1-based): chr5:150,376,508, T>C. VCF-style: chr5-150376508-T-C. GRCh37 (hg19) VCF-style: chr5-149756071-T-C.
Other names: c.1997T>C, p.Leu666Pro (NM_000356.4, NM_001135245.2); c.2228T>C, p.Leu743Pro (NM_001008657.3, NM_001135243.2, NM_001135244.2 and 1 more transcripts); short protein forms L666P, L743P.
Identifiers: ClinVar variation 1695581 (VCV001695581.2), dbSNP rs1763841167, ClinGen allele CA361754778.